The following is an entry in ClinVar:

NM_000195.5(HPS1):c.634_636delinsTT (p.Val213fs)

Gene: HPS1 (HPS1 biogenesis of lysosomal organelles complex 3 subunit 1; minus strand). Cytogenetic location: 10q24.2.
Variant type: Indel.
Coding change: c.634_636delinsTT on transcript NM_000195.5 (MANE Select); coding-DNA positions 634 to 636, CTC replaced by TT.
Protein change: p.Val213fs; shifts the reading frame from valine 213.
Molecular consequence: frameshift variant. On other transcripts: 5 prime UTR variant (3), intron variant (5).
Genome position (GRCh38, 1-based): chr10:98,431,163-98,431,165, GAG replaced by AA on the plus strand (CTC replaced by TT on the coding strand, the reverse complement: HPS1 is on the minus strand). VCF-style: chr10-98431163-GAG-AA. GRCh37 (hg19) VCF-style: chr10-100190920-GAG-AA.
Other names: c.-240_-238delinsTT (NM_001311345.2, NM_001322489.2); c.634_636delinsTT, p.Val213fs (NM_001322476.2, NM_001322477.2, NM_001322478.2 and 3 more transcripts); c.265_267delinsTT, p.Val90fs (NM_001322483.2, NM_001322484.2, NM_001322485.2); c.-339_-337delinsTT (NM_001322487.2); c.408-495_408-493delinsTT (NM_001322480.2, NM_001322482.2, NM_001322481.2); c.551-495_551-493delinsTT (NM_001322492.2, NM_001322490.2); short protein forms V213fs, V90fs.
Identifiers: ClinVar variation 4817887 (VCV004817887.1).

ClinVar aggregate classification (germline): Likely pathogenic (1 of 4 stars; one submission).

Conditions:
Hermansky-Pudlak syndrome (HPS). Also called: ALBINISM WITH HEMORRHAGIC DIATHESIS AND PIGMENTED RETICULOENDOTHELIAL CELLS. Identifiers: Orphanet 79430, MedGen C0079504, MONDO:0019312.

Submission:

Natera, Inc.
Classification: Likely pathogenic for Hermansky-Pudlak syndrome. Last evaluated: 2024-08-08. Review status: criteria provided, single submitter. Criteria: Natera Variant Classification Schema (03/2026). Collection method: clinical testing. Allele origin: germline.
Comment: The c.634_636delinsTT variant in HPS1 is a frameshift variant predicted to shift the reading frame beginning at codon 213 and leads to a stop codon 118 codons downstream. This variant is expected to result in nonsense mediated decay, truncation, or a dysfunctional protein product. This variant is rare in the general population with a frequency below the threshold expected for the associated phenotype(s). Given the available evidence, this variant is classified as Likely Pathogenic.